The following is an entry in ClinVar:

NM_005629.4(SLC6A8):c.832C>T (p.Arg278Cys)

Gene: SLC6A8 (solute carrier family 6 member 8; plus strand). Cytogenetic location: Xq28.
Variant type: single nucleotide variant.
Coding change: c.832C>T on transcript NM_005629.4 (MANE Select); coding-DNA position 832, C replaced by T.
Protein change: p.Arg278Cys; replaces arginine 278 with cysteine.
Molecular consequence: missense variant.
Genome position (GRCh38, 1-based): chrX:153,693,095, C>T. VCF-style: chrX-153693095-C-T. GRCh37 (hg19) VCF-style: chrX-152958550-C-T.
Other names: c.832C>T, p.Arg278Cys (NM_001142805.2); c.487C>T, p.Arg163Cys (NM_001142806.1); short protein forms R278C, R163C.
Identifiers: ClinVar variation 440282 (VCV000440282.10), dbSNP rs1557044958, ClinGen allele CA415083612.

ClinVar aggregate classification (germline): Uncertain significance. Review status: criteria provided, multiple submitters, no conflicts (2 of 4 stars). 2 submissions from 2 submitters: Uncertain significance (2). Last evaluated 2024-11-24.

Conditions:
Creatine transporter deficiency (CCDS1). Also called: Creatine Transporter (CRTR) Deficiency; SLC6A8-Related Creatine Transporter Deficiency; CREATINE TRANSPORTER DEFECT; CEREBRAL CREATINE DEFICIENCY SYNDROME 1; Mental retardation , X-linked with seizures, short stature and midface hypoplasia; Mental retardation , X-linked, with creatine transport deficiency. Identifiers: Orphanet 52503, MedGen C1845862, MONDO:0010305, OMIM 300352.

Allele frequency attached by ClinVar (database versions not stated): gnomAD exomes below 0.00001.

Submissions (2):

Labcorp Genetics (formerly Invitae), Labcorp
Classification: Uncertain significance for Creatine transporter deficiency. Last evaluated: 2024-11-24. Review status: criteria provided, single submitter. Criteria: Invitae Variant Classification Sherloc (09022015). Collection method: clinical testing. Allele origin: germline.
Comment: This sequence change replaces arginine, which is basic and polar, with cysteine, which is neutral and slightly polar, at codon 278 of the SLC6A8 protein (p.Arg278Cys). This variant is not present in population databases (gnomAD no frequency). This variant has not been reported in the literature in individuals affected with SLC6A8-related conditions. ClinVar contains an entry for this variant (Variation ID: 440282). Invitae Evidence Modeling of protein sequence and biophysical properties (such as structural, functional, and spatial information, amino acid conservation, physicochemical variation, residue mobility, and thermodynamic stability) indicates that this missense variant is expected to disrupt SLC6A8 protein function with a positive predictive value of 95%. In summary, the available evidence is currently insufficient to determine the role of this variant in disease. Therefore, it has been classified as a Variant of Uncertain Significance.

ARUP Laboratories, Molecular Genetics and Genomics, ARUP Laboratories
Classification: Uncertain significance. Last evaluated: 2016-12-29. Review status: criteria provided, single submitter. Criteria: ARUP Molecular Germline Variant Investigation Process. Collection method: clinical testing. Allele origin: germline.